The following is an entry in ClinVar:

ClinVar aggregate classification (germline): Uncertain significance (0 of 4 stars; one submission).

Conditions:
KSR2-related disorder. Also called: KSR2-related condition.

gnomAD v4.1: 6 of 1,603,378 alleles (0.00037%); highest among the groups gnomAD compares: Non-Finnish European, 0.00051%; no homozygotes.

Submission:

PreventionGenetics, part of Exact Sciences
Classification: Uncertain significance for KSR2-related condition. Last evaluated: 2024-04-09. Review status: no assertion criteria provided. Collection method: clinical testing. Allele origin: germline.
Comment: The KSR2 c.1779T>G variant is predicted to result in the amino acid substitution p.His593Gln. To our knowledge, this variant has not been reported in the literature. This variant is reported in 0.00091% of alleles in individuals of European (Non-Finnish) descent in gnomAD. At this time, the clinical significance of this variant is uncertain due to the absence of conclusive functional and genetic evidence.

NM_173598.6(KSR2):c.1866T>G (p.His622Gln)

Gene: KSR2 (kinase suppressor of ras 2; minus strand). Cytogenetic location: 12q24.22.
Variant type: single nucleotide variant.
Coding change: c.1866T>G on transcript NM_173598.6 (MANE Select); coding-DNA position 1866, T replaced by G.
Protein change: p.His622Gln; replaces histidine 622 with glutamine.
Molecular consequence: missense variant.
Genome position (GRCh38, 1-based): chr12:117,525,205, A>C on the plus strand (T>G on the coding strand, the complement: KSR2 is on the minus strand). VCF-style: chr12-117525205-A-C. GRCh37 (hg19) VCF-style: chr12-117963010-A-C.
Other names: short protein forms H622Q.
Identifiers: ClinVar variation 3355304 (VCV003355304.1).